The following is an entry in ClinVar:

ClinVar aggregate classification (germline): Uncertain significance (1 of 4 stars; one submission).

Submission:

Ambry Genetics
Classification: Uncertain significance. Last evaluated: 2022-05-12. Review status: criteria provided, single submitter. Criteria: Ambry Variant Classification Scheme 2023. Collection method: clinical testing. Allele origin: germline.
Comment: The p.S331F variant (also known as c.992C>T), located in coding exon 10 of the BUB1 gene, results from a C to T substitution at nucleotide position 992. The serine at codon 331 is replaced by phenylalanine, an amino acid with highly dissimilar properties. This amino acid position is conserved. In addition, this alteration is predicted to be tolerated by in silico analysis. Since supporting evidence is limited at this time, the clinical significance of this alteration remains unclear.

NM_004336.5(BUB1):c.992C>T (p.Ser331Phe)

Gene: BUB1 (BUB1 mitotic checkpoint serine/threonine kinase; minus strand). Cytogenetic location: 2q13.
Variant type: single nucleotide variant.
Coding change: c.992C>T on transcript NM_004336.5 (MANE Select); coding-DNA position 992, C replaced by T.
Protein change: p.Ser331Phe; replaces serine 331 with phenylalanine.
Molecular consequence: missense variant.
Genome position (GRCh38, 1-based): chr2:110,661,807, G>A on the plus strand (C>T on the coding strand, the complement: BUB1 is on the minus strand). VCF-style: chr2-110661807-G-A. GRCh37 (hg19) VCF-style: chr2-111419384-G-A.
Other names: c.932C>T, p.Ser311Phe (NM_001278616.2); c.992C>T, p.Ser331Phe (NM_001278617.2); short protein forms S331F, S311F.
Identifiers: ClinVar variation 1768637 (VCV001768637.2), dbSNP rs2468017772, ClinGen allele CA348214642.